The following is an entry in ClinVar:

ClinVar aggregate classification (germline): Uncertain significance (1 of 4 stars; one submission).

Conditions:
Inborn genetic diseases. Identifiers: MedGen C0950123, MeSH D030342.

gnomAD v4.1: 1 of 1,053,719 alleles (0.000095%); highest among the groups gnomAD compares: African/African-American, 0.0018%; no homozygotes.

Submission:

Ambry Genetics
Classification: Uncertain significance for Inborn genetic diseases. Last evaluated: 2026-01-26. Review status: criteria provided, single submitter. Criteria: Ambry Variant Classification Scheme 2023. Collection method: clinical testing. Allele origin: germline.
Comment: The c.102C>G (p.N34K) alteration is located in exon 2 (coding exon 2) of the FMR1 gene. This alteration results from a C to G substitution at nucleotide position 102, causing the asparagine (N) at amino acid position 34 to be replaced by a lysine (K). Based on data from gnomAD, the G allele has an overall frequency of 0.001% (1/177560) total alleles studied. The highest observed frequency was 0.008% (1/12785) of African alleles. Based on insufficient or conflicting evidence, the clinical significance of this alteration remains unclear.

NM_002024.6(FMR1):c.102C>G (p.Asn34Lys)

Gene: FMR1 (fragile X messenger ribonucleoprotein 1; plus strand). Cytogenetic location: Xq27.3.
Variant type: single nucleotide variant.
Coding change: c.102C>G on transcript NM_002024.6 (MANE Select); coding-DNA position 102, C replaced by G.
Protein change: p.Asn34Lys; replaces asparagine 34 with lysine.
Molecular consequence: missense variant. On other transcripts: non-coding transcript variant (2).
Genome position (GRCh38, 1-based): chrX:147,921,983, C>G. VCF-style: chrX-147921983-C-G. GRCh37 (hg19) VCF-style: chrX-147003501-C-G.
Other names: c.102C>G, p.Asn34Lys (NM_001185075.2, NM_001185076.2, NM_001185081.2 and 1 more transcripts); short protein forms N34K.
Identifiers: ClinVar variation 4839756 (VCV004839756.1).